The following is an entry in ClinVar:

NM_000557.5(GDF5):c.850C>T (p.Pro284Ser)

Genes: GDF5-AS1 (GDF5 antisense RNA 1; plus strand), GDF5 (growth differentiation factor 5; minus strand). Cytogenetic location: 20q11.22.
Variant type: single nucleotide variant.
Coding change: c.850C>T on transcript NM_000557.5 (MANE Select); coding-DNA position 850, C replaced by T.
Protein change: p.Pro284Ser; replaces proline 284 with serine.
Molecular consequence: missense variant. On other transcripts: non-coding transcript variant (1).
Genome position (GRCh38, 1-based): chr20:35,434,565, G>A on the plus strand (C>T on the coding strand, the complement: GDF5 is on the minus strand). VCF-style: chr20-35434565-G-A. GRCh37 (hg19) VCF-style: chr20-34022363-G-A.
Other names: c.850C>T, p.Pro284Ser (NM_001319138.2); short protein forms P284S.
Identifiers: ClinVar variation 5020833 (VCV005020833.1).

ClinVar aggregate classification (germline): Uncertain significance (1 of 4 stars; one submission).

Submission:

Dasa
Classification: Uncertain significance. Last evaluated: 2025-10-11. Review status: criteria provided, single submitter. Criteria: DASA Assertion Criteria. Collection method: clinical testing. Allele origin: germline.
Comment: NM_000557.5(GDF5):c.850C>T (p.Pro284Ser) is a missense variant that results in the substitution of proline with serine. This variant is absent from population databases. The currently available literature and clinical evidence are not sufficient to establish a definitive association between this variant and the reported condition. Therefore, this variant is classified as a variant of uncertain significance.